The following is an entry in ClinVar:

NM_001394062.1(MACF1):c.55G>A (p.Val19Ile)

Gene: MACF1 (microtubule actin crosslinking factor 1; plus strand). Cytogenetic location: 1p34.3.
Variant type: single nucleotide variant.
Coding change: c.55G>A on transcript NM_001394062.1 (MANE Select); coding-DNA position 55, G replaced by A.
Protein change: p.Val19Ile; replaces valine 19 with isoleucine.
Molecular consequence: missense variant. On other transcripts: intron variant (1).
Genome position (GRCh38, 1-based): chr1:39,205,077, G>A. VCF-style: chr1-39205077-G-A. GRCh37 (hg19) VCF-style: chr1-39670749-G-A.
Other names: c.221-26105G>A (NM_012090.5); short protein forms V19I.
Identifiers: ClinVar variation 5040840 (VCV005040840.1).

ClinVar aggregate classification (germline): Likely benign (1 of 4 stars; one submission).

gnomAD v4.1: 97 of 702,884 alleles (0.014%); highest among the groups gnomAD compares: Middle Eastern, 0.46%; 2 homozygotes.

Submission:

CeGaT Center for Human Genetics Tuebingen
Classification: Likely benign. Last evaluated: 2026-09-01. Review status: criteria provided, single submitter. Criteria: CeGaT Center For Human Genetics Tuebingen Variant Classification Criteria Version 2. Collection method: clinical testing. Allele origin: germline. Affected: yes. Observed: 2 variant alleles.
Comment: MACF1: BP4, BS2